The following is an entry in ClinVar:

NM_004006.3(DMD):c.7879G>T (p.Ala2627Ser)

Gene: DMD (dystrophin; minus strand). Cytogenetic location: Xp21.1.
Variant type: single nucleotide variant.
Coding change: c.7879G>T on transcript NM_004006.3 (MANE Select); coding-DNA position 7879, G replaced by T.
Protein change: p.Ala2627Ser; replaces alanine 2627 with serine.
Molecular consequence: missense variant.
Genome position (GRCh38, 1-based): chrX:31,658,138, C>A on the plus strand (G>T on the coding strand, the complement: DMD is on the minus strand). VCF-style: chrX-31658138-C-A. GRCh37 (hg19) VCF-style: chrX-31676255-C-A.
Other names: c.7855G>T, p.Ala2619Ser (NM_000109.4); c.7867G>T, p.Ala2623Ser (NM_004009.3); c.7510G>T, p.Ala2504Ser (NM_004010.3); c.3856G>T, p.Ala1286Ser (NM_004011.4); c.3847G>T, p.Ala1283Ser (NM_004012.4); c.499G>T, p.Ala167Ser (NM_004013.3, NM_004020.4, NM_004021.3 and 2 more transcripts); short protein forms A167S, A2504S, A1283S, A2623S, A2619S, A1286S, A2627S.
Identifiers: ClinVar variation 2626683 (VCV002626683.3), dbSNP rs772132098, ClinGen allele CA412656039.

ClinVar aggregate classification (germline): Uncertain significance. Review status: criteria provided, multiple submitters, no conflicts (2 of 4 stars). 2 submissions from 2 submitters: Uncertain significance (2). Last evaluated 2025-03-26.

Conditions:
Cardiovascular phenotype. Identifiers: MedGen CN230736.
Duchenne muscular dystrophy (DMD). Also called: Duchenne Muscular Dystrophy (DMD); MUSCULAR DYSTROPHY, PSEUDOHYPERTROPHIC PROGRESSIVE, DUCHENNE TYPE. Identifiers: Orphanet 98896, MedGen C0013264, MONDO:0010679, OMIM 310200.

gnomAD v4.1: 2 of 1,210,931 alleles (0.00017%); highest among the groups gnomAD compares: Non-Finnish European, 0.00011%; no homozygotes.

Submissions (2):

Labcorp Genetics (formerly Invitae), Labcorp
Classification: Uncertain significance for Duchenne muscular dystrophy. Last evaluated: 2025-03-26. Review status: criteria provided, single submitter. Criteria: Invitae Variant Classification Sherloc (09022015). Collection method: clinical testing. Allele origin: germline.
Comment: This sequence change replaces alanine, which is neutral and non-polar, with serine, which is neutral and polar, at codon 2627 of the DMD protein (p.Ala2627Ser). This variant is not present in population databases (gnomAD no frequency). This variant has not been reported in the literature in individuals affected with DMD-related conditions. ClinVar contains an entry for this variant (Variation ID: 2626683). Invitae Evidence Modeling of protein sequence and biophysical properties (such as structural, functional, and spatial information, amino acid conservation, physicochemical variation, residue mobility, and thermodynamic stability) indicates that this missense variant is not expected to disrupt DMD protein function with a negative predictive value of 95%. In summary, the available evidence is currently insufficient to determine the role of this variant in disease. Therefore, it has been classified as a Variant of Uncertain Significance.

Ambry Genetics
Classification: Uncertain significance for Cardiovascular phenotype. Last evaluated: 2023-09-11. Review status: criteria provided, single submitter. Criteria: Ambry Variant Classification Scheme 2023. Collection method: clinical testing. Allele origin: germline.
Comment: The p.A2627S variant (also known as c.7879G>T), located in coding exon 54 of the DMD gene, results from a G to T substitution at nucleotide position 7879. The alanine at codon 2627 is replaced by serine, an amino acid with similar properties. This amino acid position is well conserved in available vertebrate species. In addition, this alteration is predicted to be tolerated by in silico analysis. Since supporting evidence is limited at this time, the clinical significance of this alteration remains unclear.